The following is an entry in ClinVar:

ClinVar aggregate classification (germline): Likely pathogenic (1 of 4 stars; one submission).

Conditions:
Parathyroid carcinoma (PRTC). Also called: Parathyroid gland carcinoma; CDC73-Related Parathyroid Carcinoma. Identifiers: Orphanet 143, MedGen C0687150, MONDO:0012004, OMIM 608266, HP:0006780.

Submission:

Labcorp Genetics (formerly Invitae), Labcorp
Classification: Likely pathogenic for Parathyroid carcinoma. Last evaluated: 2020-12-22. Review status: criteria provided, single submitter. Criteria: Invitae Variant Classification Sherloc (09022015). Collection method: clinical testing. Allele origin: germline.
Comment: In summary, the currently available evidence indicates that the variant is pathogenic, but additional data are needed to prove that conclusively. Therefore, this variant has been classified as Likely Pathogenic. This variant disrupts the bipartite nuclear localization signal (NLS) at codons 125-139 of the CDC73 protein, which is important for proper localization and function of the CDC73 protein (PMID: 17314275). While functional studies have not been performed to directly test the effect of this variant on CDC73 protein function, this suggests that disruption of this region of the protein is causative of disease. This variant has not been reported in the literature in individuals with CDC73-related conditions. A smaller in-frame deletion (exons 3-5) has been observed in individuals with clinical features of CDC73-related conditions (Invitae). This variant is a gross deletion of the genomic region encompassing exon(s) 3-7 of the CDC73 gene. This variant would be expected to be in-frame, preserving the integrity of the reading frame.

Literature cited by the submitters: PubMed 17314275.

NC_000001.10:g.(?_193099294)_(193111206_?)del

Gene: CDC73 (cell division cycle 73; plus strand). Cytogenetic location: 1q31.2.
Variant type: Deletion.
Identifiers: ClinVar variation 1524525 (VCV001524525.4).